The following is an entry in ClinVar:

NM_003119.4(SPG7):c.2096dup (p.Met699fs)

Gene: SPG7 (SPG7 matrix AAA peptidase subunit, paraplegin; plus strand). Cytogenetic location: 16q24.3.
Variant type: Duplication.
Coding change: c.2096dup on transcript NM_003119.4 (MANE Select); coding-DNA position 2096, one base duplicated (T; older notation c.2096dupT).
Protein change: p.Met699fs; shifts the reading frame from methionine 699.
Molecular consequence: frameshift variant.
Genome position (GRCh38, 1-based): chr16:89,553,953, T duplicated. VCF-style (leftmost placement, unchanged base first): chr16-89553952-A-AT. GRCh37 (hg19) VCF-style: chr16-89620360-A-AT.
Other names: c.2096dupT (NM_003119.4, NM_003119.3); c.2096dup, p.Met699fs (NM_001363850.1); short protein forms M699fs.
Identifiers: ClinVar variation 411678 (VCV000411678.40), dbSNP rs747503698, ClinGen allele CA8244522.

ClinVar aggregate classification (germline): Pathogenic. Review status: criteria provided, multiple submitters, no conflicts (2 of 4 stars). 11 submissions from 11 submitters: Pathogenic (9). 2 of the submissions do not count toward it. Last evaluated 2025-06-01.

Conditions:
SPG7-related disorder. Also called: SPG7-related condition.
Hereditary spastic paraplegia 7 (SPG7). Also called: SPG7-related neurologic disorder; Autosomal recessive spastic paraplegia type 7; SPASTIC PARAPLEGIA 7, AUTOSOMAL RECESSIVE, WITH OR WITHOUT CEREBELLAR ATAXIA; Spastic paraplegia 7; Hereditary spastic paraplegia Paraplegin type. Identifiers: Orphanet 99013, MedGen C1846564, MONDO:0011803, OMIM 607259.

Allele frequency attached by ClinVar (database versions not stated): gnomAD 0.00003 and 0.00004; TOPMed 0.00002; gnomAD exomes 0.00004 and 0.00007; ExAC 0.00006.

Submissions (11):

CeGaT Center for Human Genetics Tuebingen
Classification: Pathogenic. Last evaluated: 2025-06-01. Review status: criteria provided, single submitter. Criteria: CeGaT Center For Human Genetics Tuebingen Variant Classification Criteria Version 2. Collection method: clinical testing. Allele origin: germline. Affected: yes. Observed: 1 variant allele.
Comment: SPG7: PVS1, PM2

GeneDx
Classification: Pathogenic. Last evaluated: 2025-02-05. Review status: criteria provided, single submitter. Criteria: GeneDx Variant Classification Process June 2021. Collection method: clinical testing. Allele origin: germline. Affected: yes.
Comment: Frameshift variant predicted to result in protein truncation or nonsense mediated decay in a gene for which loss-of-function is a known mechanism of disease; This variant is associated with the following publications: (PMID: 34758253, 33726816, 37152446, 22571692, 31589614)

Blueprint Genetics
Classification: Pathogenic for SPG7-related disorders. Last evaluated: 2024-11-11. Review status: criteria provided, single submitter. Criteria: ACMG Guidelines, 2015. Collection method: clinical testing. Allele origin: germline. Affected: yes. Observed: 5 variant alleles.

Women's Health and Genetics/Laboratory Corporation of America, LabCorp
Classification: Pathogenic for Hereditary spastic paraplegia 7. Last evaluated: 2024-09-13. Review status: criteria provided, single submitter. Criteria: LabCorp Variant Classification Summary - May 2015. Collection method: clinical testing. Allele origin: germline.
Comment: Variant summary: SPG7 c.2096dupT (p.Met699IlefsX4) results in a premature termination codon, predicted to cause absence of the protein due to nonsense mediated decay, which is a commonly known mechanism for disease. The variant allele was found at a frequency of 4.4e-05 in 248248 control chromosomes, predominantly at a frequency of 9.9e-05 within the Non-Finnish European subpopulation in the gnomAD database. This frequency is not significantly higher than estimated for a pathogenic variant in SPG7 causing Hereditary Spastic Paraplegia 7, allowing no conclusion about variant significance. c.2096dupT has been reported in the literature in unspecified individuals undertaking genetic testing, however not all the information was provided for further analysis (Stranneheim_2021). These report(s) do not provide unequivocal conclusions about association of the variant with Hereditary Spastic Paraplegia 7. To our knowledge, no experimental evidence demonstrating an impact on protein function has been reported. The following publication has been ascertained in the context of this evaluation (PMID: 33726816). ClinVar contains an entry for this variant (Variation ID: 411678). Based on the evidence outlined above, the variant was classified as pathogenic.

Labcorp Genetics (formerly Invitae), Labcorp
Classification: Pathogenic for Hereditary spastic paraplegia 7. Last evaluated: 2024-09-12. Review status: criteria provided, single submitter. Criteria: Invitae Variant Classification Sherloc (09022015). Collection method: clinical testing. Allele origin: germline.
Comment: This sequence change creates a premature translational stop signal (p.Met699Ilefs*4) in the SPG7 gene. It is expected to result in an absent or disrupted protein product. Loss-of-function variants in SPG7 are known to be pathogenic (PMID: 21623769, 22964162). This variant is present in population databases (rs747503698, gnomAD 0.009%). This variant has not been reported in the literature in individuals affected with SPG7-related conditions. ClinVar contains an entry for this variant (Variation ID: 411678). For these reasons, this variant has been classified as Pathogenic.

Fulgent Genetics
Classification: Pathogenic for Hereditary spastic paraplegia 7. Last evaluated: 2024-03-05. Review status: criteria provided, single submitter. Criteria: ACMG Guidelines, 2015. Collection method: clinical testing. Allele origin: germline.

Clinical Genetics Laboratory, Skane University Hospital Lund
Classification: Pathogenic. Last evaluated: 2023-05-30. Review status: criteria provided, single submitter. Criteria: ACMG Guidelines, 2015. Collection method: clinical testing. Allele origin: germline. Affected: yes.

Mayo Clinic Laboratories, Mayo Clinic
Classification: Pathogenic. Last evaluated: 2020-12-09. Review status: criteria provided, single submitter. Criteria: ACMG Guidelines, 2015. Collection method: clinical testing. Allele origin: germline. Observed: 1 variant allele.

Athena Diagnostics
Classification: Pathogenic. Last evaluated: 2018-05-30. Review status: criteria provided, single submitter. Criteria: Athena Diagnostics Criteria. Collection method: clinical testing. Allele origin: unknown.
Comment: This variant is expected to result in the loss of a functional protein. The frequency of this variant in the general population is consistent with pathogenicity. This variant has been identified in at least one individual with clinical features associated with this gene.

PreventionGenetics, part of Exact Sciences
Classification: Likely pathogenic for SPG7-related condition. Last evaluated: 2024-01-29. Review status: no assertion criteria provided. Collection method: clinical testing. Allele origin: germline. Not counted in ClinVar's aggregate classification.
Comment: The SPG7 c.2096dupT variant is predicted to result in a frameshift and premature protein termination (p.Met699Ilefs*4). This variant has been reported in the literature; however, phenotypes of the individuals carrying this variant were not specified (Stranneheim et al. 2021. PubMed ID: 33726816; 100,000 Genomes Project Pilot Investigators et al. 2021. PubMed ID: 34758253). This variant is reported in 0.0095% of alleles in individuals of European (Non-Finnish) descent in gnomAD. Frameshift variants in SPG7 are expected to be pathogenic. This variant is interpreted as likely pathogenic.

Genomics England Pilot Project, Genomics England
Classification: Pathogenic for Hereditary spastic paraplegia 7. Review status: no assertion criteria provided. Criteria: ACGS Guidelines, 2016. Collection method: clinical testing. Allele origin: germline. Affected: yes. Not counted in ClinVar's aggregate classification.

Literature cited by the submitters: PubMed 33726816 (cited by Women's Health and Genetics/Laboratory Corporation of America, LabCorp); PubMed 21623769 (cited by Labcorp Genetics (formerly Invitae), Labcorp); PubMed 22964162 (cited by Labcorp Genetics (formerly Invitae), Labcorp); PubMed 30588391 (cited by Mayo Clinic Laboratories, Mayo Clinic); PubMed 30533525 (cited by Mayo Clinic Laboratories, Mayo Clinic).